The following is an entry in ClinVar:

ClinVar aggregate classification (germline): Uncertain significance (1 of 4 stars; one submission).

Conditions:
Curry-Hall syndrome (WAD). Also called: WEYERS ACRODENTAL DYSOSTOSIS. Identifiers: Orphanet 952, MedGen C0457013, MONDO:0008673, OMIM 193530.
Ellis-van Creveld syndrome (EVC). Also called: EVC-Related Ellis-van Creveld Syndrome; EVC2-Related Ellis-van Creveld Syndrome; MESOECTODERMAL DYSPLASIA; Chondroectodermal dysplasia. Identifiers: Orphanet 289, MedGen C0013903, MONDO:0009162, OMIM 225500.

Submission:

Labcorp Genetics (formerly Invitae), Labcorp
Classification: Uncertain significance for Curry-Hall syndrome; Ellis-van Creveld syndrome. Last evaluated: 2023-09-20. Review status: criteria provided, single submitter. Criteria: Invitae Variant Classification Sherloc (09022015). Collection method: clinical testing. Allele origin: germline.
Comment: This variant is not present in population databases (gnomAD no frequency). In summary, the available evidence is currently insufficient to determine the role of this variant in disease. Therefore, it has been classified as a Variant of Uncertain Significance. An algorithm developed to predict the effect of missense changes on protein structure and function (PolyPhen-2) suggests that this variant is likely to be tolerated. This variant has not been reported in the literature in individuals affected with EVC2-related conditions. This sequence change replaces methionine, which is neutral and non-polar, with valine, which is neutral and non-polar, at codon 1004 of the EVC2 protein (p.Met1004Val).

NM_147127.5(EVC2):c.3010A>G (p.Met1004Val)

Gene: EVC2 (EvC ciliary complex subunit 2; minus strand). Cytogenetic location: 4p16.2.
Variant type: single nucleotide variant.
Coding change: c.3010A>G on transcript NM_147127.5 (MANE Select); coding-DNA position 3010, A replaced by G.
Protein change: p.Met1004Val; replaces methionine 1004 with valine.
Molecular consequence: missense variant.
Genome position (GRCh38, 1-based): chr4:5,584,670, T>C on the plus strand (A>G on the coding strand, the complement: EVC2 is on the minus strand). VCF-style: chr4-5584670-T-C. GRCh37 (hg19) VCF-style: chr4-5586397-T-C.
Other names: c.2770A>G, p.Met924Val (NM_001166136.2); short protein forms M1004V, M924V.
Identifiers: ClinVar variation 2924035 (VCV002924035.3), dbSNP rs2475235354, ClinGen allele CA356153828.